The following is an entry in ClinVar:

NM_053025.4(MYLK):c.3566-2A>G

Gene: MYLK (myosin light chain kinase; minus strand). Cytogenetic location: 3q21.1.
Variant type: single nucleotide variant.
Coding change: c.3566-2A>G on transcript NM_053025.4 (MANE Select); the canonical splice acceptor site of the intron before coding-DNA position 3566, A replaced by G.
Molecular consequence: splice acceptor variant.
Genome position (GRCh38, 1-based): chr3:123,682,312, T>C on the plus strand (A>G on the coding strand, the complement: MYLK is on the minus strand). VCF-style: chr3-123682312-T-C. GRCh37 (hg19) VCF-style: chr3-123401159-T-C.
Other names: c.3038-2A>G (NM_001321309.2); c.3359-2A>G (NM_053028.4, NM_053026.4); c.3566-2A>G (NM_053027.4).
Identifiers: ClinVar variation 1966412 (VCV001966412.6), dbSNP rs1398461143, ClinGen allele CA354233695.

ClinVar aggregate classification (germline): Conflicting classifications of pathogenicity. Review status: criteria provided, conflicting classifications (1 of 4 stars). 2 submissions from 2 submitters: Likely pathogenic (1); Uncertain significance (1). Last evaluated 2025-11-19.

Conditions:
Aortic aneurysm, familial thoracic 7 (AAT7). Also called: AORTIC DISSECTION, FAMILIAL, WITH OR WITHOUT AORTIC ANEURYSM. Identifiers: MedGen C3151077, MONDO:0013418, OMIM 613780.

Allele frequency attached by ClinVar (database versions not stated): TOPMed below 0.00001; gnomAD exomes 0.00001.
gnomAD v4.1: 18 of 1,593,440 alleles (0.0011%); highest among the groups gnomAD compares: Non-Finnish European, 0.0015%; no homozygotes.

Submissions (2):

Victorian Clinical Genetics Services, Murdoch Childrens Research Institute
Classification: Uncertain significance for Aortic aneurysm, familial thoracic 7. Last evaluated: 2025-11-19. Review status: criteria provided, single submitter. Criteria: ACMG Guidelines, 2015. Collection method: clinical testing. Allele origin: germline.
Comment: This variant is classified as VUS-3A. Evidence in support of pathogenic classification: Canonical splice site variant without proven consequence on splicing (no functional evidence available); Variant is present in gnomAD <0.01 (v4: 18 heterozygote(s), 0 homozygote(s)); This variant has limited previous evidence of pathogenicity in an unrelated individual(s). This variant has been classified as likely pathogenic by a clinical laboratory in ClinVar; Abnormal splicing is predicted by in silico tool and affected nucleotide is highly conserved. Additional information: This variant is heterozygous; This gene is associated with autosomal dominant familial thoracic aortic aneurysm 7 (MIM#613780) although homozygotes with more early-onset severe disease have also been reported (PMID: 29544503; OMIM). It has also been associated with autosomal recessive megacystis-microcolon-intestinal hypoperistalsis syndrome 1 (MIM#249210), however this gene-disease association has not been established conclusively (PanelApp Australia); No published evidence of segregation with disease has been identified for this variant; No published functional evidence has been identified for this variant; No comparable canonical splice variants have previous evidence for pathogenicity; Loss of function is a known mechanism of disease in this gene and is associated with autosomal dominant familial thoracic aortic aneurysm 7 (MIM#613780). It has also been reported for autosomal recessive megacystis-microcolon-intestinal hypoperistalsis syndrome 1 (MIM#249210), however this gene-disease association has not been established conclusively (PanelApp Australia); The familial thoracic aortic aneurysm 7 associated with this gene has incomplete penetrance (PMIDs: 29544503, 21055718; OMIM); Variants associated with familial thoracic aortic aneurysm 7 in this gene are known to have variable expressivity (PMIDs: 29544503, 21055718); Inheritance information for this variant is not currently available in this individual.

Labcorp Genetics (formerly Invitae), Labcorp
Classification: Likely pathogenic for Aortic aneurysm, familial thoracic 7. Last evaluated: 2025-01-14. Review status: criteria provided, single submitter. Criteria: Invitae Variant Classification Sherloc (09022015). Collection method: clinical testing. Allele origin: germline.
Comment: This sequence change affects an acceptor splice site in intron 19 of the MYLK gene. It is expected to disrupt RNA splicing. Variants that disrupt the donor or acceptor splice site typically lead to a loss of protein function (PMID: 16199547), and loss-of-function variants in MYLK are known to be pathogenic (PMID: 21055718, 28602422). This variant is not present in population databases (gnomAD no frequency). This variant has not been reported in the literature in individuals affected with MYLK-related conditions. ClinVar contains an entry for this variant (Variation ID: 1966412). Algorithms developed to predict the effect of sequence changes on RNA splicing suggest that this variant may disrupt the consensus splice site. In summary, the currently available evidence indicates that the variant is pathogenic, but additional data are needed to prove that conclusively. Therefore, this variant has been classified as Likely Pathogenic.

Literature cited by the submitters: PubMed 21055718 (cited by Victorian Clinical Genetics Services, Murdoch Childrens Research Institute and Labcorp Genetics (formerly Invitae), Labcorp); PubMed 29544503 (cited by Victorian Clinical Genetics Services, Murdoch Childrens Research Institute); PubMed 16199547 (cited by Labcorp Genetics (formerly Invitae), Labcorp); PubMed 28602422 (cited by Labcorp Genetics (formerly Invitae), Labcorp).